The following is an entry in ClinVar:

NC_000015.9:g.(?_28259902)_(28261352_?)dup

Gene: OCA2 (OCA2 melanosomal transmembrane protein; minus strand). Cytogenetic location: 15q13.1.
Variant type: Duplication.
Identifiers: ClinVar variation 2422781 (VCV002422781.4).

ClinVar aggregate classification (germline): Uncertain significance (1 of 4 stars; one submission).

Submission:

Labcorp Genetics (formerly Invitae), Labcorp
Classification: Uncertain significance. Last evaluated: 2023-11-27. Review status: criteria provided, single submitter. Criteria: Invitae Variant Classification Sherloc (09022015). Collection method: clinical testing. Allele origin: germline.
Comment: This variant results in a copy number gain of the genomic region encompassing exon(s) 8-9 of the OCA2 gene. While the exact position of this variant cannot be determined from the data, sub-genic copy number gains are generally in tandem (PMID: 25640679). This variant is predicted to be in-frame, and likely preserves the integrity of the reading frame. This variant has not been reported in the literature in individuals affected with OCA2-related conditions. Experimental studies and prediction algorithms are not available or were not evaluated, and the functional significance of this variant is currently unknown. In summary, the available evidence is currently insufficient to determine the role of this variant in disease. Therefore, it has been classified as a Variant of Uncertain Significance.

Literature cited by the submitters: PubMed 25640679.